The following is an entry in ClinVar:

ClinVar aggregate classification (germline): Pathogenic (1 of 4 stars; one submission).

Conditions:
Mucopolysaccharidosis, MPS-II (MPS2). Also called: Hunter Syndrome; IDURONATE 2-SULFATASE DEFICIENCY; Mucopolysaccharidosis Type II; Mucopolysaccharidosis type 2; Attenuated MPS (subtype; formerly known as mild MPS II); Severe MPS II. Identifiers: Orphanet 580, Orphanet 79388, MedGen C0026705, MONDO:0010674, OMIM 309900.

Submission:

Laboratory of Diagnosis and Therapy of Lysosomal Disorders, University of Padova
Classification: Pathogenic for Mucopolysaccharidosis, MPS-II. Last evaluated: 2024-06-07. Review status: criteria provided, single submitter. Criteria: ACMG Guidelines, 2015. Collection method: literature only. Allele origin: germline. Affected: yes. Observed: 4 variant alleles.
Comment: Null variant (PVS1_VeryStrong), Absent from controls (or at low frequency) in gnomAD database (PM2_Moderate), Patient’s phenotype or family history highly specific for the disease (PP4_Strong)

Classification method: ACMG Guidelines [PMID:25741868] with modifications

Literature cited by the submitters: PubMed 8281149; PubMed 8111411; PubMed 7887413; PubMed 36945845.

NM_000202.8(IDS):c.416del (p.Pro139fs)

Gene: IDS (iduronate 2-sulfatase; minus strand). Cytogenetic location: Xq28.
Variant type: Deletion.
Coding change: c.416del on transcript NM_000202.8 (MANE Select); coding-DNA position 416, one base deleted (C; older notation c.416delC).
Protein change: p.Pro139fs; shifts the reading frame from proline 139.
Molecular consequence: frameshift variant. On other transcripts: non-coding transcript variant (1).
Genome position (GRCh38, 1-based): chrX:149,503,314, G deleted on the plus strand (C on the coding strand, the reverse complement: IDS is on the minus strand); the first of 3 consecutive G bases (chrX:149,503,314-149,503,316); deleting any one gives the same sequence. VCF-style (leftmost placement, unchanged base first): chrX-149503313-AG-A. GRCh37 (hg19) VCF-style: chrX-148584843-AG-A.
Other names: c.146del, p.Pro49fs (NM_001166550.4); c.416del, p.Pro139fs (NM_006123.5); short protein forms P139fs, P49fs.
Identifiers: ClinVar variation 3255709 (VCV003255709.2).